The following is an entry in ClinVar:

NM_001034116.2(EIF2B4):c.410C>G (p.Thr137Ser)

Gene: EIF2B4 (eukaryotic translation initiation factor 2B subunit delta; minus strand). Cytogenetic location: 2p23.3.
Variant type: single nucleotide variant.
Coding change: c.410C>G on transcript NM_001034116.2 (MANE Select); coding-DNA position 410, C replaced by G.
Protein change: p.Thr137Ser; replaces threonine 137 with serine.
Molecular consequence: missense variant. On other transcripts: 5 prime UTR variant (1), intron variant (1).
Genome position (GRCh38, 1-based): chr2:27,369,014, G>C on the plus strand (C>G on the coding strand, the complement: EIF2B4 is on the minus strand). VCF-style: chr2-27369014-G-C. GRCh37 (hg19) VCF-style: chr2-27591881-G-C.
Other names: c.473C>G, p.Thr158Ser (NM_001318965.2); c.365C>G, p.Thr122Ser (NM_001318966.2); c.317C>G, p.Thr106Ser (NM_001318967.2); c.-183C>G (NM_001318969.2); c.407C>G, p.Thr136Ser (NM_015636.4); c.470C>G, p.Thr157Ser (NM_172195.4); c.-168+62C>G (NM_001318968.2); short protein forms T137S, T106S, T122S, T157S, T158S, T136S.
Identifiers: ClinVar variation 1474149 (VCV001474149.6), dbSNP rs753868838, ClinGen allele CA1576924.
Genomic context (GRCh38, chr2:27,369,014, plus strand): 5'-AGCTGGCGTTATAATTAGGAGTAAGGGAGGTCTTAAAATGAAGGGAAGATACCTGAGGGG[G>C]TTTCTCCAGCTGTGCTGGGGCTGGCCTTAGGAGGTGGTCCTCCTTGTTCCCCTTTTCTTG-3'
Protein context (NP_001029288.1, residues 127-147): PKASPSTAGE[Thr137Ser]PSGVKRLPEY

ClinVar aggregate classification (germline): Uncertain significance (1 of 4 stars; one submission).

Allele frequency attached by ClinVar (database versions not stated): ExAC 0.00001; gnomAD exomes 0.00001.
gnomAD v4.1: 4 of 1,614,158 alleles (0.00025%); highest among the groups gnomAD compares: Admixed American, 0.005%; no homozygotes.

Submission:

Labcorp Genetics (formerly Invitae), Labcorp
Classification: Uncertain significance. Last evaluated: 2021-02-13. Review status: criteria provided, single submitter. Criteria: Invitae Variant Classification Sherloc (09022015). Collection method: clinical testing. Allele origin: germline.
Comment: In summary, the available evidence is currently insufficient to determine the role of this variant in disease. Therefore, it has been classified as a Variant of Uncertain Significance. Algorithms developed to predict the effect of missense changes on protein structure and function output the following: SIFT: "Tolerated"; PolyPhen-2: "Benign"; Align-GVGD: "Class C0". The serine amino acid residue is found in multiple mammalian species, suggesting that this missense change does not adversely affect protein function. These predictions have not been confirmed by published functional studies and their clinical significance is uncertain. This variant has not been reported in the literature in individuals with EIF2B4-related conditions. This variant is present in population databases (rs753868838, ExAC 0.009%). This sequence change replaces threonine with serine at codon 136 of the EIF2B4 protein (p.Thr136Ser). The threonine residue is weakly conserved and there is a small physicochemical difference between threonine and serine.